The following is an entry in ClinVar:

ClinVar aggregate classification (germline): Uncertain significance (1 of 4 stars; one submission).

Submission:

Labcorp Genetics (formerly Invitae), Labcorp
Classification: Uncertain significance. Last evaluated: 2024-07-17. Review status: criteria provided, single submitter. Criteria: Invitae Variant Classification Sherloc (09022015). Collection method: clinical testing. Allele origin: germline.
Comment: This sequence change falls in intron 10 of the ARIH1 gene. It does not directly change the encoded amino acid sequence of the ARIH1 protein. It affects a nucleotide within the consensus splice site. This variant is not present in population databases (gnomAD no frequency). This variant has not been reported in the literature in individuals affected with ARIH1-related conditions. Variants that disrupt the consensus splice site are a relatively common cause of aberrant splicing (PMID: 17576681, 9536098). Algorithms developed to predict the effect of sequence changes on RNA splicing suggest that this variant is not likely to affect RNA splicing. In summary, the available evidence is currently insufficient to determine the role of this variant in disease. Therefore, it has been classified as a Variant of Uncertain Significance.

Literature cited by the submitters: PubMed 17576681; PubMed 9536098.

NM_005744.5(ARIH1):c.1157+4G>T

Gene: ARIH1 (ariadne RBR E3 ubiquitin protein ligase 1; plus strand). Cytogenetic location: 15q24.1.
Variant type: single nucleotide variant.
Coding change: c.1157+4G>T on transcript NM_005744.5 (MANE Select); 4 bases into the intron after coding-DNA position 1157, G replaced by T.
Molecular consequence: intron variant.
Genome position (GRCh38, 1-based): chr15:72,570,311, G>T. VCF-style: chr15-72570311-G-T. GRCh37 (hg19) VCF-style: chr15-72862652-G-T.
Identifiers: ClinVar variation 3613380 (VCV003613380.2).